The following is an entry in ClinVar:

ClinVar aggregate classification (germline): Uncertain significance (1 of 4 stars; one submission).

Conditions:
Gnathodiaphyseal dysplasia (GDD). Also called: GNATHODIAPHYSEAL SCLEROSIS; OSTEOGENESIS IMPERFECTA WITH UNUSUAL SKELETAL LESIONS. Identifiers: Orphanet 53697, MedGen C1833736, MONDO:0008151, OMIM 166260.
Autosomal recessive limb-girdle muscular dystrophy type 2L (LGMDR12). Also called: MUSCULAR DYSTROPHY, LIMB-GIRDLE, AUTOSOMAL RECESSIVE 12; Limb-girdle muscular dystrophy, type 2L; Limb-Girdle Muscular Dystrophy R12 Anoctamin-5-Related (LGMD-R12). Identifiers: Orphanet 206549, MedGen C1969785, MONDO:0012652, OMIM 611307.

gnomAD v4.1: 1 of 1,614,028 alleles (0.000062%); highest among the groups gnomAD compares: Non-Finnish European, 0.000085%; no homozygotes.

Submission:

Labcorp Genetics (formerly Invitae), Labcorp
Classification: Uncertain significance for Autosomal recessive limb-girdle muscular dystrophy type 2L; Gnathodiaphyseal dysplasia. Last evaluated: 2023-12-19. Review status: criteria provided, single submitter. Criteria: Invitae Variant Classification Sherloc (09022015). Collection method: clinical testing. Allele origin: germline.
Comment: This sequence change replaces threonine, which is neutral and polar, with isoleucine, which is neutral and non-polar, at codon 713 of the ANO5 protein (p.Thr713Ile). This variant is not present in population databases (gnomAD no frequency). This variant has not been reported in the literature in individuals affected with ANO5-related conditions. Advanced modeling of protein sequence and biophysical properties (such as structural, functional, and spatial information, amino acid conservation, physicochemical variation, residue mobility, and thermodynamic stability) has been performed at Invitae for this missense variant, however the output from this modeling did not meet the statistical confidence thresholds required to predict the impact of this variant on ANO5 protein function. In summary, the available evidence is currently insufficient to determine the role of this variant in disease. Therefore, it has been classified as a Variant of Uncertain Significance.

NM_213599.3(ANO5):c.2138C>T (p.Thr713Ile)

Gene: ANO5 (anoctamin 5; plus strand). Cytogenetic location: 11p14.3.
Variant type: single nucleotide variant.
Coding change: c.2138C>T on transcript NM_213599.3 (MANE Select); coding-DNA position 2138, C replaced by T.
Protein change: p.Thr713Ile; replaces threonine 713 with isoleucine.
Molecular consequence: missense variant.
Genome position (GRCh38, 1-based): chr11:22,272,892, C>T. VCF-style: chr11-22272892-C-T. GRCh37 (hg19) VCF-style: chr11-22294438-C-T.
Other names: c.2135C>T, p.Thr712Ile (NM_001142649.2); c.2096C>T, p.Thr699Ile (NM_001410963.1); c.2093C>T, p.Thr698Ile (NM_001410964.1); short protein forms T698I, T699I, T712I, T713I.
Identifiers: ClinVar variation 2953314 (VCV002953314.3), dbSNP rs1487599092, ClinGen allele CA379923856.
Genomic context (GRCh38, chr11:22,272,892, plus strand): 5'-CTCCTCTTCTTGCTCTCATAAATAATATTGTAGAGATTCGAGTGGATGCCTGGAAACTTA[C>T]CACTCAATACAGGAGAACTGTAGCTTCTAAAGCTCATAGCATAGGTGTTTGGCAAGACAT-3'
Protein context (NP_998764.1, residues 703-723): VEIRVDAWKL[Thr713Ile]TQYRRTVASK